The following is an entry in ClinVar:

NM_001377.3(DYNC2H1):c.11726-10A>T

Gene: DYNC2H1 (dynein cytoplasmic 2 heavy chain 1; plus strand). Cytogenetic location: 11q22.3.
Variant type: single nucleotide variant.
Coding change: c.11726-10A>T on transcript NM_001377.3 (MANE Select); 10 bases into the intron before coding-DNA position 11726, A replaced by T.
Molecular consequence: intron variant.
Genome position (GRCh38, 1-based): chr11:103,321,019, A>T. VCF-style: chr11-103321019-A-T. GRCh37 (hg19) VCF-style: chr11-103191748-A-T.
Other names: p.?; c.11747-10A>T (NM_001080463.2).
Identifiers: ClinVar variation 439627 (VCV000439627.24), dbSNP rs185916947, ClinGen allele CA6255365.

ClinVar aggregate classification (germline): Benign/Likely benign. Review status: criteria provided, multiple submitters, no conflicts (2 of 4 stars). 6 submissions from 6 submitters: Benign (3); Likely benign (3). Last evaluated 2026-01-31.

Conditions:
Asphyxiating thoracic dystrophy 3. Also called: SHORT-RIB THORACIC DYSPLASIA 3 WITH OR WITHOUT POLYDACTYLY; POLYDACTYLY WITH NEONATAL CHONDRODYSTROPHY, TYPE I; SHORT-RIB THORACIC DYSPLASIA 3/6 WITH POLYDACTYLY, DIGENIC; Short rib polydactyly syndrome 2B; Saldino-Noonan Syndrome. Identifiers: Orphanet 474, Orphanet 93269, Orphanet 93270, Orphanet 93271, MedGen C0036069, MONDO:0013127, OMIM 613091.
Jeune thoracic dystrophy. Also called: Jeune syndrome; Infantile thoracic dystrophy; Thoracic pelvic phalangeal dystrophy; Jeune's syndrome; Chondroectodermal dysplasia-like syndrome; Short-rib thoracic dysplasia. Identifiers: Orphanet 474, MedGen C0265275, MONDO:0018770.

Allele frequency attached by ClinVar (database versions not stated): gnomAD exomes 0.00054 and 0.00130; ESP Exome Variant Server 0.00146; ExAC 0.00271; gnomAD 0.00522 and 0.00561; TOPMed 0.00550; 1000 Genomes Project 0.00619; 1000 Genomes Project 30x 0.00625.
gnomAD v4.1: 1,606 of 1,578,856 alleles (0.1%); highest among the groups gnomAD compares: African/African-American, 1.7%; 9 homozygotes.

Submissions (6):

Labcorp Genetics (formerly Invitae), Labcorp
Classification: Benign for Jeune thoracic dystrophy. Last evaluated: 2026-01-31. Review status: criteria provided, single submitter. Criteria: Invitae Variant Classification Sherloc (09022015). Collection method: clinical testing. Allele origin: germline.

Mayo Clinic Laboratories, Mayo Clinic
Classification: Likely benign. Last evaluated: 2025-09-24. Review status: criteria provided, single submitter. Criteria: ACMG Guidelines, 2015. Collection method: clinical testing. Allele origin: germline. Observed: 1 variant allele.
Comment: BS1, BP7

Blueprint Genetics
Classification: Likely benign. Last evaluated: 2024-11-14. Review status: criteria provided, single submitter. Criteria: ACMG Guidelines, 2015. Collection method: clinical testing. Allele origin: germline.

GeneDx
Classification: Benign. Last evaluated: 2019-03-07. Review status: criteria provided, single submitter. Criteria: GeneDx Variant Classification Process June 2021. Collection method: clinical testing. Allele origin: germline. Affected: yes.

Illumina Laboratory Services, Illumina
Classification: Benign for Asphyxiating thoracic dystrophy 3. Last evaluated: 2018-01-12. Review status: criteria provided, single submitter. Criteria: ICSL Variant Classification Criteria 13 December 2019. Collection method: clinical testing. Allele origin: germline.
Comment: This variant was observed in the ICSL laboratory as part of a predisposition screen in an ostensibly healthy population. It had not been previously curated by ICSL or reported in the Human Gene Mutation Database (HGMD: prior to June 1st, 2018), and was therefore a candidate for classification through an automated scoring system. Utilizing variant allele frequency, disease prevalence and penetrance estimates, and inheritance mode, an automated score was calculated to assess if this variant is too frequent to cause the disease. Based on the score and internal cut-off values, a variant classified as benign is not then subjected to further curation. The score for this variant resulted in a classification of benign for this disease.

ARUP Laboratories, Molecular Genetics and Genomics, ARUP Laboratories
Classification: Likely benign. Last evaluated: 2017-06-07. Review status: criteria provided, single submitter. Criteria: ARUP Molecular Germline Variant Investigation Process. Collection method: clinical testing. Allele origin: germline.